The following is an entry in ClinVar:

NM_001379659.1(ZNF142):c.702C>T (p.Phe234=)

Gene: ZNF142 (zinc finger protein 142; minus strand). Cytogenetic location: 2q35.
Variant type: single nucleotide variant.
Coding change: c.702C>T on transcript NM_001379659.1 (MANE Select); coding-DNA position 702, C replaced by T.
Protein change: p.Phe234=; no amino-acid change (phenylalanine 234 retained).
Molecular consequence: synonymous variant. On other transcripts: intron variant (6).
Genome position (GRCh38, 1-based): chr2:218,651,879, G>A on the plus strand (C>T on the coding strand, the complement: ZNF142 is on the minus strand). VCF-style: chr2-218651879-G-A. GRCh37 (hg19) VCF-style: chr2-219516602-G-A.
Other names: c.702C>T, p.Phe234= (NM_001366290.3, NM_001379660.1, NM_001379661.1); c.281-1353C>T (NM_001379662.1, NM_001105537.4, NM_001366291.2); c.-331-57C>T (NM_001366289.2, NM_001366288.2, NM_001366287.2).
Identifiers: ClinVar variation 3250569 (VCV003250569.18), dbSNP rs147917851.

ClinVar aggregate classification (germline): Likely benign. Review status: criteria provided, single submitter (1 of 4 stars). 2 submissions from 2 submitters: Likely benign (1). 1 of the submissions does not count toward it. Last evaluated 2026-05-01.

Conditions:
ZNF142-related disorder. Also called: ZNF142-related condition.

Allele frequency attached by ClinVar (database versions not stated): 1000 Genomes Project 30x 0.00125; TOPMed 0.00061; 1000 Genomes Project 0.00120; ExAC 0.00036; gnomAD 0.00067; gnomAD exomes 0.00104.
gnomAD v4.1: 1,265 of 1,289,744 alleles (0.098%); highest among the groups gnomAD compares: East Asian, 0.2%; 2 homozygotes.

Submissions (2):

CeGaT Center for Human Genetics Tuebingen
Classification: Likely benign. Last evaluated: 2026-05-01. Review status: criteria provided, single submitter. Criteria: CeGaT Center For Human Genetics Tuebingen Variant Classification Criteria Version 2. Collection method: clinical testing. Allele origin: germline. Affected: yes. Observed: 4 variant alleles.
Comment: ZNF142: BP4, BP7

PreventionGenetics, part of Exact Sciences
Classification: Likely benign for ZNF142-related condition. Last evaluated: 2024-06-27. Review status: no assertion criteria provided. Collection method: clinical testing. Allele origin: germline. Not counted in ClinVar's aggregate classification.
Comment: This variant is classified as likely benign based on ACMG/AMP sequence variant interpretation guidelines (Richards et al. 2015 PMID: 25741868, with internal and published modifications).